The following is an entry in ClinVar:

NM_000059.4(BRCA2):c.5460C>T (p.Cys1820=)

Gene: BRCA2 (BRCA2 DNA repair associated; plus strand). Cytogenetic location: 13q13.1.
Variant type: single nucleotide variant.
Coding change: c.5460C>T on transcript NM_000059.4 (MANE Select); coding-DNA position 5460, C replaced by T.
Protein change: p.Cys1820=; no amino-acid change (cysteine 1820 retained).
Molecular consequence: synonymous variant.
Genome position (GRCh38, 1-based): chr13:32,339,815, C>T. VCF-style: chr13-32339815-C-T. GRCh37 (hg19) VCF-style: chr13-32913952-C-T.
Identifiers: ClinVar variation 427538 (VCV000427538.5), dbSNP rs758869410, ClinGen allele CA6940873.

ClinVar aggregate classification (germline): Likely benign. Review status: reviewed by expert panel (3 of 4 stars). 2 submissions from 2 submitters: Likely benign (1). 1 of the submissions does not count toward it. Last evaluated 2017-06-29.

Conditions:
Breast-ovarian cancer, familial, susceptibility to, 2 (BROVCA2). Also called: BRCA2 Hereditary Breast and Ovarian Cancer. Identifiers: Orphanet 145, MedGen C2675520, MONDO:0012933, OMIM 612555. Disease mechanism: loss of function.
Hereditary cancer-predisposing syndrome. Also called: Hereditary neoplastic syndrome; Tumor predisposition; Neoplastic Syndromes, Hereditary; Hereditary Cancer Syndrome. Identifiers: Orphanet 140162, MedGen C0027672, MeSH D009386, MONDO:0015356.

Allele frequency attached by ClinVar (database versions not stated): gnomAD exomes below 0.00001; ExAC 0.00001.
gnomAD v4.1: 1 of 1,613,722 alleles (0.000062%); highest among the groups gnomAD compares: Non-Finnish European, 0.000085%; no homozygotes.

Submissions (2):

Evidence-based Network for the Interpretation of Germline Mutant Alleles (ENIGMA)
Classification: Likely benign for Breast-ovarian cancer, familial, susceptibility to, 2. Last evaluated: 2017-06-29. Review status: reviewed by expert panel. Criteria: ENIGMA BRCA1/2 Classification Criteria (2017-06-29). Collection method: curation. Allele origin: germline.
Comment: Synonymous substitution variant, with low bioinformatic likelihood to result in a splicing aberration (Splicing prior probability 0.02).

Ambry Genetics
Classification: Likely benign for Hereditary cancer-predisposing syndrome. Last evaluated: 2021-07-23. Review status: criteria provided, single submitter. Criteria: Ambry Variant Classification Scheme 2023. Collection method: clinical testing. Allele origin: germline. Not counted in ClinVar's aggregate classification.